The following is an entry in ClinVar:

NM_199136.5(FAM221A):c.633del (p.Ile212fs)

Gene: FAM221A (family with sequence similarity 221 member A; plus strand). Cytogenetic location: 7p15.3.
Variant type: Deletion.
Coding change: c.633del on transcript NM_199136.5 (MANE Select); coding-DNA position 633, one base deleted (G; older notation c.633delG).
Protein change: p.Ile212fs; shifts the reading frame from isoleucine 212.
Molecular consequence: frameshift variant.
Genome position (GRCh38, 1-based): chr7:23,691,592, G deleted; the last of 3 consecutive G bases (chr7:23,691,590-23,691,592); deleting any one gives the same sequence. VCF-style (leftmost placement, unchanged base first): chr7-23691589-TG-T. GRCh37 (hg19) VCF-style: chr7-23731208-TG-T.
Other names: c.633del, p.Ile212fs (NM_001127364.3); c.459del, p.Ile154fs (NM_001127365.3, NM_001300932.2); short protein forms I154fs, I212fs.
Identifiers: ClinVar variation 2657350 (VCV002657350.24), dbSNP rs553824715, ClinGen allele CA4189613.
Genomic context (GRCh38, chr7:23,691,589, plus strand): 5'-CATGGGAGGATTAACTGGTTTCAGCTCGCTGGCGGAAGGCTACATGCGGTTAGATGACAG[TG>T]GGATTGGTAAGTGATACTATATGAAATGTGAGCCCATTGTATTGTTTTTATGTGTGCTAA-3'

ClinVar aggregate classification (germline): Likely benign (1 of 4 stars; one submission).

Submission:

CeGaT Center for Human Genetics Tuebingen
Classification: Likely benign. Last evaluated: 2023-03-01. Review status: criteria provided, single submitter. Criteria: CeGaT Center For Human Genetics Tuebingen Variant Classification Criteria Version 2. Collection method: clinical testing. Allele origin: germline. Affected: yes. Observed: 1 variant allele.
Comment: FAM221A: BS2